The following is an entry in ClinVar:

ClinVar aggregate classification (germline): Uncertain significance (1 of 4 stars; one submission).

Submission:

Labcorp Genetics (formerly Invitae), Labcorp
Classification: Uncertain significance. Last evaluated: 2024-11-05. Review status: criteria provided, single submitter. Criteria: Invitae Variant Classification Sherloc (09022015). Collection method: clinical testing. Allele origin: germline.
Comment: This sequence change replaces lysine, which is basic and polar, with threonine, which is neutral and polar, at codon 1135 of the NUP133 protein (p.Lys1135Thr). This variant is not present in population databases (gnomAD no frequency). This variant has not been reported in the literature in individuals affected with NUP133-related conditions. ClinVar contains an entry for this variant (Variation ID: 2134563). An algorithm developed to predict the effect of missense changes on protein structure and function (PolyPhen-2) suggests that this variant is likely to be disruptive. In summary, the available evidence is currently insufficient to determine the role of this variant in disease. Therefore, it has been classified as a Variant of Uncertain Significance.

NM_018230.3(NUP133):c.3404A>C (p.Lys1135Thr)

Gene: NUP133 (nucleoporin 133; minus strand). Cytogenetic location: 1q42.13.
Variant type: single nucleotide variant.
Coding change: c.3404A>C on transcript NM_018230.3 (MANE Select); coding-DNA position 3404, A replaced by C.
Protein change: p.Lys1135Thr; replaces lysine 1135 with threonine.
Molecular consequence: missense variant.
Genome position (GRCh38, 1-based): chr1:229,441,971, T>G on the plus strand (A>C on the coding strand, the complement: NUP133 is on the minus strand). VCF-style: chr1-229441971-T-G. GRCh37 (hg19) VCF-style: chr1-229577718-T-G.
Other names: short protein forms K1135T.
Identifiers: ClinVar variation 2134563 (VCV002134563.4), dbSNP rs1244086012, ClinGen allele CA345139724.